The following is an entry in ClinVar:

NM_000334.4(SCN4A):c.5398G>A (p.Asp1800Asn)

Genes: GH-LCR (growth hormone locus control region; plus strand), SCN4A (sodium voltage-gated channel alpha subunit 4; minus strand). Cytogenetic location: 17q23.3.
Variant type: single nucleotide variant.
Coding change: c.5398G>A on transcript NM_000334.4 (MANE Select); coding-DNA position 5398, G replaced by A.
Protein change: p.Asp1800Asn; replaces aspartic acid 1800 with asparagine.
Molecular consequence: missense variant.
Genome position (GRCh38, 1-based): chr17:63,940,884, C>T on the plus strand (G>A on the coding strand, the complement: SCN4A is on the minus strand). VCF-style: chr17-63940884-C-T. GRCh37 (hg19) VCF-style: chr17-62018244-C-T.
Other names: short protein forms D1800N.
Identifiers: ClinVar variation 2059908 (VCV002059908.5), dbSNP rs769014245, ClinGen allele CA8708766.

ClinVar aggregate classification (germline): Uncertain significance. Review status: criteria provided, multiple submitters, no conflicts (2 of 4 stars). 2 submissions from 2 submitters: Uncertain significance (2). Last evaluated 2025-09-23.

Conditions:
Congenital myopathy 22A, classic (CMYO22A). Identifiers: MedGen C5830453, MONDO:0957247, OMIM 620351.
Potassium-aggravated myotonia. Also called: MYOTONIA CONGENITA, ACETAZOLAMIDE-RESPONSIVE; MYOTONIA CONGENITA, ATYPICAL; SODIUM CHANNEL MUSCLE DISEASE; Myotonia congenita, atypical, acetazolamide-responsive. Identifiers: Orphanet 612, Orphanet 99734, Orphanet 99735, Orphanet 99736, MedGen C2931826, MONDO:0018959, OMIM 608390.
Hypokalemic periodic paralysis, type 2 (HOKPP2). Identifiers: Orphanet 681, MedGen C2750061, MONDO:0013234, OMIM 613345.
Hyperkalemic periodic paralysis. Also called: Familial hyperkalemic periodic paralysis; Gamstorp disease. Identifiers: Orphanet 682, MedGen C0238357, MONDO:0008224, OMIM 170500, HP:0007215.
Congenital myopathy 22B, severe fetal (CMYO22B). Identifiers: MedGen C5830501, MONDO:0957265, OMIM 620369.
Congenital myasthenic syndrome 16. Identifiers: Orphanet 590, MedGen C3280112, MONDO:0013620, OMIM 614198.
Paramyotonia congenita of Von Eulenburg. Also called: PARALYSIS PERIODICA PARAMYOTONICA; Eulenburg disease; Myotonia congenita intermittens; Von Eulenburg paramyotonia congenita; Paramyotonia Congenita. Identifiers: Orphanet 684, MedGen C0221055, MONDO:0008195, OMIM 168300. Disease mechanism: loss of function.

Allele frequency attached by ClinVar (database versions not stated): ExAC 0.00003.

Submissions (2):

Labcorp Genetics (formerly Invitae), Labcorp
Classification: Uncertain significance for Hyperkalemic periodic paralysis. Last evaluated: 2025-09-23. Review status: criteria provided, single submitter. Criteria: Invitae Variant Classification Sherloc (09022015). Collection method: clinical testing. Allele origin: germline.
Comment: This sequence change replaces aspartic acid, which is acidic and polar, with asparagine, which is neutral and polar, at codon 1800 of the SCN4A protein (p.Asp1800Asn). The frequency data for this variant in the population databases is considered unreliable, as metrics indicate poor data quality at this position in the gnomAD database. This variant has not been reported in the literature in individuals affected with SCN4A-related conditions. ClinVar contains an entry for this variant (Variation ID: 2059908). Invitae Evidence Modeling of protein sequence and biophysical properties (such as structural, functional, and spatial information, amino acid conservation, physicochemical variation, residue mobility, and thermodynamic stability) indicates that this missense variant is not expected to disrupt SCN4A protein function with a negative predictive value of 95%. In summary, the available evidence is currently insufficient to determine the role of this variant in disease. Therefore, it has been classified as a Variant of Uncertain Significance.

Fulgent Genetics
Classification: Uncertain significance for Paramyotonia congenita of Von Eulenburg; Hyperkalemic periodic paralysis; Potassium-aggravated myotonia; Hypokalemic periodic paralysis, type 2; Congenital myasthenic syndrome 16; Congenital myopathy 22A, classic; Congenital myopathy 22B, severe fetal. Last evaluated: 2024-03-20. Review status: criteria provided, single submitter. Criteria: ACMG Guidelines, 2015. Collection method: clinical testing. Allele origin: germline.